The following is an entry in ClinVar:

GRCh38/hg38 7q35-36.1(chr7:147345844-150426340)x1

Genes: ACTR3C (actin related protein 3C; minus strand), ATP6V0E2 (ATPase H+ transporting V0 subunit e2; plus strand), ATP6V0E2-AS1 (ATP6V0E2 antisense RNA 1; minus strand), C7orf33 (chromosome 7 open reading frame 33; plus strand), CNTNAP2 (contactin associated protein 2; plus strand) and 139 more. Cytogenetic location: 7q35-36.1.
Variant type: copy number loss.
Change: copy number 1 (one copy instead of two) of chr7:147,345,844-150,426,340 (3.08 Mb, GRCh38 coordinates, 1-based), cytogenetic band 7q35-36.1.
Identifiers: ClinVar variation 57185 (VCV000057185.1).

ClinVar aggregate classification (germline): Pathogenic (1 of 4 stars; one submission).

Submission:

ISCA site 4
Classification: Pathogenic. Last evaluated: 2011-08-12. Review status: criteria provided, single submitter. Criteria: Kaminsky et al. (Genet Med. 2011). Collection method: clinical testing. Allele origin: unknown. Affected: yes. Observed: 1 variant allele.
Comment: Copy number variation identified through the course of routine clinical cytogenomic testing in postnatal populations. Clinical assertions have been curated as described in Kaminsky et al. 2011.